The following is an entry in ClinVar:

ClinVar aggregate classification (germline): Uncertain significance (1 of 4 stars; one submission).

Conditions:
Hereditary breast ovarian cancer syndrome. Also called: BRCA1- and BRCA2-Associated Hereditary Breast and Ovarian Cancer; Hereditary breast and ovarian cancer; Hereditary breast and/or ovarian cancer syndrome; Hereditary breast and ovarian cancer syndrome (HBOC); Breast and ovarian cancer; Hereditary breast and ovarian cancer syndrome. Identifiers: Orphanet 145, MedGen C0677776, MeSH D061325, MONDO:0003582. Disease mechanism: loss of function.

Submission:

Labcorp Genetics (formerly Invitae), Labcorp
Classification: Uncertain significance for Hereditary breast ovarian cancer syndrome. Last evaluated: 2023-09-03. Review status: criteria provided, single submitter. Criteria: Invitae Variant Classification Sherloc (09022015). Collection method: clinical testing. Allele origin: germline.
Comment: This variant results in a copy number gain of the genomic region encompassing exon(s) 12-27 of the BRCA2 gene. This region includes the termination codon of the gene. This copy number gain extends beyond the assayed region for this gene and therefore may encompass additional genes. As the precise location of this event is unknown, it may be in tandem or it may be located elsewhere in the genome. This variant has not been reported in the literature in individuals affected with BRCA2-related conditions. Experimental studies and prediction algorithms are not available or were not evaluated, and the functional significance of this variant is currently unknown. In summary, the available evidence is currently insufficient to determine the role of this variant in disease. Therefore, it has been classified as a Variant of Uncertain Significance.

NC_000013.10:g.(?_32918675)_(32972907_?)dup

Gene: BRCA2 (BRCA2 DNA repair associated; plus strand). Cytogenetic location: 13q13.1.
Variant type: Duplication.
Identifiers: ClinVar variation 1509779 (VCV001509779.6).